The following is an entry in ClinVar:

NM_172351.3(CD46):c.718T>G (p.Ser240Ala)

Gene: CD46 (CD46 molecule; plus strand). Cytogenetic location: 1q32.2.
Variant type: single nucleotide variant.
Coding change: c.718T>G on transcript NM_172351.3 (MANE Select); coding-DNA position 718, T replaced by G.
Protein change: p.Ser240Ala; replaces serine 240 with alanine.
Molecular consequence: missense variant.
Genome position (GRCh38, 1-based): chr1:207,767,057, T>G. VCF-style: chr1-207767057-T-G. GRCh37 (hg19) VCF-style: chr1-207940402-T-G.
Other names: c.718T>G, p.Ser240Ala (NM_002389.4, NM_153826.4, NM_172350.3 and 8 more transcripts); short protein forms S240A.
Identifiers: ClinVar variation 4976849 (VCV004976849.1).

ClinVar aggregate classification (germline): Uncertain significance (1 of 4 stars; one submission).

Conditions:
Atypical hemolytic-uremic syndrome. Identifiers: Orphanet 2134, MedGen C2931788, MONDO:0016244.

gnomAD v4.1: 4 of 1,613,810 alleles (0.00025%); highest among the groups gnomAD compares: Non-Finnish European, 0.00034%; no homozygotes.

Submission:

Genomenon, Inc
Classification: Uncertain significance for Atypical hemolytic-uremic syndrome. Last evaluated: 2026-09-17. Review status: criteria provided, single submitter. Criteria: Genomenon Sequence Variant Interpretation Standards - Updated. Collection method: curation. Allele origin: germline. Affected: no.
Comment: CD46 p.Ser240Ala (c.718T>G) is a missense variant that changes the amino acid at codon 240 from serine to alanine. This variant has been reported in the published literature (PMID:15121049;10960475). This variant is located in a mutational hotspot and/or important functional domain. It is absent or not present at a significant frequency in gnomAD. In silico models predict that this variant is not damaging. In conclusion, we classify CD46 p.Ser240Ala (c.718T>G) as a variant of uncertain significance.

Literature cited by the submitters: PubMed 15121049; PubMed 10960475.